The following is an entry in ClinVar:

ClinVar aggregate classification (germline): Likely benign. Review status: criteria provided, multiple submitters, no conflicts (2 of 4 stars). 4 submissions from 4 submitters: Likely benign (4). Last evaluated 2025-11-25.

Conditions:
MET-related disorder. Also called: MET-related condition.
Renal cell carcinoma. Identifiers: Orphanet 217071, MedGen C0007134, MeSH D002292, MONDO:0005086, HP:0005584.
Hereditary cancer-predisposing syndrome. Also called: Tumor predisposition; Hereditary neoplastic syndrome; Neoplastic Syndromes, Hereditary; Hereditary Cancer Syndrome. Identifiers: Orphanet 140162, MedGen C0027672, MeSH D009386, MONDO:0015356.

Allele frequency attached by ClinVar (database versions not stated): gnomAD below 0.00001 and 0.00007; TOPMed below 0.00001; gnomAD exomes 0.00010 and 0.00021; ExAC 0.00022; 1000 Genomes Project 0.00060; 1000 Genomes Project 30x 0.00062.
gnomAD v4.1: 151 of 1,614,084 alleles (0.0094%); highest among the groups gnomAD compares: South Asian, 0.16%; 4 homozygotes.

Submissions (4):

Labcorp Genetics (formerly Invitae), Labcorp
Classification: Likely benign for Renal cell carcinoma. Last evaluated: 2025-11-25. Review status: criteria provided, single submitter. Criteria: Invitae Variant Classification Sherloc (09022015). Collection method: clinical testing. Allele origin: germline.

PreventionGenetics, part of Exact Sciences
Classification: Likely benign for MET-related condition. Last evaluated: 2024-11-19. Review status: criteria provided, single submitter. Criteria: ACMG Guidelines, 2015. Collection method: clinical testing. Allele origin: germline.
Comment: This variant is classified as likely benign based on ACMG/AMP sequence variant interpretation guidelines (Richards et al. 2015 PMID: 25741868, with internal and published modifications).

Sema4
Classification: Likely benign for Hereditary cancer-predisposing syndrome. Last evaluated: 2020-11-10. Review status: criteria provided, single submitter. Criteria: Sema4 Curation Guidelines. Collection method: curation. Allele origin: germline.

Ambry Genetics
Classification: Likely benign for Hereditary cancer-predisposing syndrome. Last evaluated: 2019-10-30. Review status: criteria provided, single submitter. Criteria: Ambry Variant Classification Scheme 2023. Collection method: clinical testing. Allele origin: germline.

NM_000245.4(MET):c.3043T>G (p.Ser1015Ala)

Gene: MET (MET proto-oncogene, receptor tyrosine kinase; plus strand). Cytogenetic location: 7q31.2.
Variant type: single nucleotide variant.
Coding change: c.3043T>G on transcript NM_000245.4 (MANE Select); coding-DNA position 3043, T replaced by G.
Protein change: p.Ser1015Ala; replaces serine 1015 with alanine.
Molecular consequence: missense variant.
Genome position (GRCh38, 1-based): chr7:116,774,895, T>G. VCF-style: chr7-116774895-T-G. GRCh37 (hg19) VCF-style: chr7-116414949-T-G.
Other names: c.3097T>G (LRG_662t1, NM_001127500.2); c.3097T>G, p.Ser1033Ala (NM_001127500.3); c.1753T>G, p.Ser585Ala (NM_001324402.2); short protein forms S1033A, S1015A, S585A.
Identifiers: ClinVar variation 454231 (VCV000454231.17), dbSNP rs539345989, ClinGen allele CA4448645.